The following is an entry in ClinVar:

NM_018646.6(TRPV6):c.344G>A (p.Arg115Lys)

Gene: TRPV6 (transient receptor potential cation channel subfamily V member 6; minus strand). Cytogenetic location: 7q34.
Variant type: single nucleotide variant.
Coding change: c.344G>A on transcript NM_018646.6 (MANE Select); coding-DNA position 344, G replaced by A.
Protein change: p.Arg115Lys; replaces arginine 115 with lysine.
Molecular consequence: missense variant.
Genome position (GRCh38, 1-based): chr7:142,877,931, C>T on the plus strand (G>A on the coding strand, the complement: TRPV6 is on the minus strand). VCF-style: chr7-142877931-C-T. GRCh37 (hg19) VCF-style: chr7-142575684-C-T.
Other names: short protein forms R115K.
Identifiers: ClinVar variation 4703568 (VCV004703568.1).

ClinVar aggregate classification (germline): Uncertain significance (1 of 4 stars; one submission).

Submission:

Labcorp Genetics (formerly Invitae), Labcorp
Classification: Uncertain significance. Last evaluated: 2025-02-23. Review status: criteria provided, single submitter. Criteria: Invitae Variant Classification Sherloc (09022015). Collection method: clinical testing. Allele origin: germline.
Comment: This sequence change replaces arginine, which is basic and polar, with lysine, which is basic and polar, at codon 115 of the TRPV6 protein (p.Arg115Lys). This variant is not present in population databases (gnomAD no frequency). This variant has not been reported in the literature in individuals affected with TRPV6-related conditions. An algorithm developed to predict the effect of missense changes on protein structure and function outputs the following: PolyPhen-2: "Not Available". The lysine amino acid residue is found in multiple mammalian species, which suggests that this missense change does not adversely affect protein function. In summary, the available evidence is currently insufficient to determine the role of this variant in disease. Therefore, it has been classified as a Variant of Uncertain Significance.